The following is an entry in ClinVar:

NM_000069.3(CACNA1S):c.2743A>G (p.Lys915Glu)

Gene: CACNA1S (calcium voltage-gated channel subunit alpha1 S; minus strand). Cytogenetic location: 1q32.1.
Variant type: single nucleotide variant.
Coding change: c.2743A>G on transcript NM_000069.3 (MANE Select); coding-DNA position 2743, A replaced by G.
Protein change: p.Lys915Glu; replaces lysine 915 with glutamic acid.
Molecular consequence: missense variant.
Genome position (GRCh38, 1-based): chr1:201,066,231, T>C on the plus strand (A>G on the coding strand, the complement: CACNA1S is on the minus strand). VCF-style: chr1-201066231-T-C. GRCh37 (hg19) VCF-style: chr1-201035359-T-C.
Other names: short protein forms K915E.
Identifiers: ClinVar variation 4757954 (VCV004757954.1).

ClinVar aggregate classification (germline): Uncertain significance (1 of 4 stars; one submission).

Conditions:
Malignant hyperthermia, susceptibility to, 5 (MHS5). Also called: CACNA1S-Related Malignant Hyperthermia Susceptibility. Identifiers: Orphanet 423, MedGen C1866077, MONDO:0011163, OMIM 601887.

gnomAD v4.1: 1 of 1,613,812 alleles (0.000062%); highest among the groups gnomAD compares: Admixed American, 0.0017%; no homozygotes.

Submission:

Color Diagnostics, LLC DBA Color Health
Classification: Uncertain significance for Malignant hyperthermia, susceptibility to, 5. Last evaluated: 2025-08-14. Review status: criteria provided, single submitter. Criteria: ACMG Guidelines, 2015. Collection method: clinical testing. Allele origin: germline.
Comment: This missense variant replaces lysine with glutamic acid at codon 915 of the CACNA1S protein. Computational prediction suggests that this variant may have deleterious impact on protein structure and function. To our knowledge, functional studies have not been reported for this variant. This variant has not been reported in individuals affected with CACNA1S-related disorders in the literature. This variant has not been identified in the general population by the Genome Aggregation Database (gnomAD). The available evidence is insufficient to determine the role of this variant in disease conclusively. Therefore, this variant is classified as a Variant of Uncertain Significance.